The following is an entry in ClinVar:

NM_015559.3(SETBP1):c.3661G>A (p.Ala1221Thr)

Gene: SETBP1 (SET binding protein 1; plus strand). Cytogenetic location: 18q12.3.
Variant type: single nucleotide variant.
Coding change: c.3661G>A on transcript NM_015559.3 (MANE Select); coding-DNA position 3661, G replaced by A.
Protein change: p.Ala1221Thr; replaces alanine 1221 with threonine.
Molecular consequence: missense variant.
Genome position (GRCh38, 1-based): chr18:44,953,001, G>A. VCF-style: chr18-44953001-G-A. GRCh37 (hg19) VCF-style: chr18-42532966-G-A.
Other names: c.3661G>A, p.Ala1221Thr (NM_001379141.1, NM_001379142.1, NM_001410862.1); short protein forms A1221T.
Identifiers: ClinVar variation 2417006 (VCV002417006.6), dbSNP rs754668298, ClinGen allele CA402324912.

ClinVar aggregate classification (germline): Uncertain significance (1 of 4 stars; one submission).

gnomAD v4.1: 5 of 1,614,044 alleles (0.00031%); highest among the groups gnomAD compares: Admixed American, 0.0017%; no homozygotes.

Submission:

Labcorp Genetics (formerly Invitae), Labcorp
Classification: Uncertain significance. Last evaluated: 2025-04-09. Review status: criteria provided, single submitter. Criteria: Invitae Variant Classification Sherloc (09022015). Collection method: clinical testing. Allele origin: germline.
Comment: This sequence change replaces alanine, which is neutral and non-polar, with threonine, which is neutral and polar, at codon 1221 of the SETBP1 protein (p.Ala1221Thr). This variant is present in population databases (no rsID available, gnomAD 0.003%). This variant has not been reported in the literature in individuals affected with SETBP1-related conditions. ClinVar contains an entry for this variant (Variation ID: 2417006). Invitae Evidence Modeling of protein sequence and biophysical properties (such as structural, functional, and spatial information, amino acid conservation, physicochemical variation, residue mobility, and thermodynamic stability) indicates that this missense variant is not expected to disrupt SETBP1 protein function with a negative predictive value of 80%. In summary, the available evidence is currently insufficient to determine the role of this variant in disease. Therefore, it has been classified as a Variant of Uncertain Significance.